The following is an entry in ClinVar:

NM_001844.5(COL2A1):c.2014G>A (p.Gly672Ser)

Gene: COL2A1 (collagen type II alpha 1 chain; minus strand). Cytogenetic location: 12q13.11.
Variant type: single nucleotide variant.
Coding change: c.2014G>A on transcript NM_001844.5 (MANE Select); coding-DNA position 2014, G replaced by A.
Protein change: p.Gly672Ser; replaces glycine 672 with serine.
Molecular consequence: missense variant.
Genome position (GRCh38, 1-based): chr12:47,983,420, C>T on the plus strand (G>A on the coding strand, the complement: COL2A1 is on the minus strand). VCF-style: chr12-47983420-C-T. GRCh37 (hg19) VCF-style: chr12-48377203-C-T.
Other names: c.1807G>A, p.Gly603Ser (NM_033150.3); short protein forms G603S, G672S.
Identifiers: ClinVar variation 3338855 (VCV003338855.1).

ClinVar aggregate classification (germline): Pathogenic (1 of 4 stars; one submission).

Submission:

GeneDx
Classification: Pathogenic. Last evaluated: 2024-01-29. Review status: criteria provided, single submitter. Criteria: GeneDx Variant Classification Process June 2021. Collection method: clinical testing. Allele origin: germline. Affected: yes.
Comment: Occurs in the triple helical domain and replaces a glycine in a canonical Gly-X-Y repeat; missense substitution of a canonical glycine residue is expected to disrupt normal protein folding and function, and this is an established mechanism of disease (PMID: 34007986); Not observed at significant frequency in large population cohorts (gnomAD); In silico analysis supports that this missense variant has a deleterious effect on protein structure/function; This variant is associated with the following publications: (PMID: 34007986, 15895462)